The following is an entry in ClinVar:

ClinVar aggregate classification (germline): Uncertain significance. Review status: criteria provided, multiple submitters, no conflicts (2 of 4 stars). 2 submissions from 2 submitters: Uncertain significance (2). Last evaluated 2025-10-14.

Conditions:
Ullrich congenital muscular dystrophy 2 (UCMD2). Identifiers: Orphanet 75840, MedGen C4225314, MONDO:0014654, OMIM 616470.
Bethlem myopathy 2 (BTHLM2). Identifiers: Orphanet 536516, Orphanet 610, MedGen C4225313, MONDO:0034022, OMIM 616471.

Allele frequency attached by ClinVar (database versions not stated): gnomAD exomes 0.00001; TOPMed 0.00001; gnomAD 0.00002 and 0.00001; 1000 Genomes Project 30x 0.00016; 1000 Genomes Project 0.00020.
gnomAD v4.1: 16 of 1,614,110 alleles (0.00099%); highest among the groups gnomAD compares: African/African-American, 0.0027%; no homozygotes.

Submissions (2):

Labcorp Genetics (formerly Invitae), Labcorp
Classification: Uncertain significance for Bethlem myopathy 2; Ullrich congenital muscular dystrophy 2. Last evaluated: 2025-10-14. Review status: criteria provided, single submitter. Criteria: Invitae Variant Classification Sherloc (09022015). Collection method: clinical testing. Allele origin: germline.
Comment: This sequence change replaces valine, which is neutral and non-polar, with methionine, which is neutral and non-polar, at codon 2002 of the COL12A1 protein (p.Val2002Met). This variant is present in population databases (rs181357263, gnomAD 0.003%). This variant has not been reported in the literature in individuals affected with COL12A1-related conditions. ClinVar contains an entry for this variant (Variation ID: 971604). Invitae Evidence Modeling of protein sequence and biophysical properties (such as structural, functional, and spatial information, amino acid conservation, physicochemical variation, residue mobility, and thermodynamic stability) indicates that this missense variant is not expected to disrupt COL12A1 protein function with a negative predictive value of 80%. In summary, the available evidence is currently insufficient to determine the role of this variant in disease. Therefore, it has been classified as a Variant of Uncertain Significance.

Revvity Omics, Revvity
Classification: Uncertain significance. Last evaluated: 2023-08-16. Review status: criteria provided, single submitter. Criteria: ACMG Guidelines, 2015. Collection method: clinical testing. Allele origin: germline.

NM_004370.6(COL12A1):c.6004G>A (p.Val2002Met)

Gene: COL12A1 (collagen type XII alpha 1 chain; minus strand). Cytogenetic location: 6q13.
Variant type: single nucleotide variant.
Coding change: c.6004G>A on transcript NM_004370.6 (MANE Select); coding-DNA position 6004, G replaced by A.
Protein change: p.Val2002Met; replaces valine 2002 with methionine.
Molecular consequence: missense variant.
Genome position (GRCh38, 1-based): chr6:75,130,915, C>T on the plus strand (G>A on the coding strand, the complement: COL12A1 is on the minus strand). VCF-style: chr6-75130915-C-T. GRCh37 (hg19) VCF-style: chr6-75840631-C-T.
Other names: c.2512G>A, p.Val838Met (NM_080645.3); short protein forms V838M, V2002M.
Identifiers: ClinVar variation 971604 (VCV000971604.11), dbSNP rs181357263, ClinGen allele CA140987488.